The following is an entry in ClinVar:

ClinVar aggregate classification (germline): Uncertain significance. Review status: criteria provided, multiple submitters, no conflicts (2 of 4 stars). 2 submissions from 2 submitters: Uncertain significance (2). Last evaluated 2024-10-24.

Conditions:
Inborn genetic diseases. Identifiers: MedGen C0950123, MeSH D030342.

Allele frequency attached by ClinVar (database versions not stated): ExAC 0.00001; gnomAD exomes 0.00001; gnomAD 0.00004; TOPMed 0.00005.
gnomAD v4.1: 15 of 1,613,806 alleles (0.00093%); highest among the groups gnomAD compares: African/African-American, 0.017%; no homozygotes.

Submissions (2):

Labcorp Genetics (formerly Invitae), Labcorp
Classification: Uncertain significance. Last evaluated: 2024-10-24. Review status: criteria provided, single submitter. Criteria: Invitae Variant Classification Sherloc (09022015). Collection method: clinical testing. Allele origin: germline.
Comment: This sequence change replaces threonine, which is neutral and polar, with alanine, which is neutral and non-polar, at codon 843 of the ADAMTSL4 protein (p.Thr843Ala). This variant is present in population databases (rs780806985, gnomAD 0.02%). This variant has not been reported in the literature in individuals affected with ADAMTSL4-related conditions. ClinVar contains an entry for this variant (Variation ID: 1981008). Invitae Evidence Modeling of protein sequence and biophysical properties (such as structural, functional, and spatial information, amino acid conservation, physicochemical variation, residue mobility, and thermodynamic stability) indicates that this missense variant is not expected to disrupt ADAMTSL4 protein function with a negative predictive value of 80%. In summary, the available evidence is currently insufficient to determine the role of this variant in disease. Therefore, it has been classified as a Variant of Uncertain Significance.

Ambry Genetics
Classification: Uncertain significance for Inborn genetic diseases. Last evaluated: 2024-09-09. Review status: criteria provided, single submitter. Criteria: Ambry Variant Classification Scheme 2023. Collection method: clinical testing. Allele origin: germline.

NM_019032.6(ADAMTSL4):c.2527A>G (p.Thr843Ala)

Gene: ADAMTSL4 (ADAMTS like 4; plus strand). Cytogenetic location: 1q21.2.
Variant type: single nucleotide variant.
Coding change: c.2527A>G on transcript NM_019032.6 (MANE Select); coding-DNA position 2527, A replaced by G.
Protein change: p.Thr843Ala; replaces threonine 843 with alanine.
Molecular consequence: missense variant.
Genome position (GRCh38, 1-based): chr1:150,558,617, A>G. VCF-style: chr1-150558617-A-G. GRCh37 (hg19) VCF-style: chr1-150531093-A-G.
Other names: c.2410A>G, p.Thr804Ala (NM_001288607.2); c.2596A>G, p.Thr866Ala (NM_001288608.2); c.2527A>G, p.Thr843Ala (NM_001378596.1, NM_025008.5); c.2527A>G (NM_019032.4); short protein forms T804A, T866A, T843A.
Identifiers: ClinVar variation 1981008 (VCV001981008.3), dbSNP rs780806985, ClinGen allele CA1078713.